The following is an entry in ClinVar:

ClinVar aggregate classification (germline): Uncertain significance (1 of 4 stars; one submission).

gnomAD v4.1: 4 of 1,574,822 alleles (0.00025%); highest among the groups gnomAD compares: Non-Finnish European, 0.00034%; no homozygotes.

Submission:

Labcorp Genetics (formerly Invitae), Labcorp
Classification: Uncertain significance. Last evaluated: 2023-02-11. Review status: criteria provided, single submitter. Criteria: Invitae Variant Classification Sherloc (09022015). Collection method: clinical testing. Allele origin: germline.
Comment: This sequence change replaces serine, which is neutral and polar, with threonine, which is neutral and polar, at codon 459 of the FCHO1 protein (p.Ser459Thr). The frequency data for this variant in the population databases is considered unreliable, as metrics indicate poor data quality at this position in the gnomAD database. This variant has not been reported in the literature in individuals affected with FCHO1-related conditions. Algorithms developed to predict the effect of missense changes on protein structure and function (SIFT, PolyPhen-2, Align-GVGD) all suggest that this variant is likely to be tolerated. In summary, the available evidence is currently insufficient to determine the role of this variant in disease. Therefore, it has been classified as a Variant of Uncertain Significance.

NM_015122.3(FCHO1):c.1375T>A (p.Ser459Thr)

Gene: FCHO1 (FCH and mu domain containing endocytic adaptor 1; plus strand). Cytogenetic location: 19p13.11.
Variant type: single nucleotide variant.
Coding change: c.1375T>A on transcript NM_015122.3 (MANE Select); coding-DNA position 1375, T replaced by A.
Protein change: p.Ser459Thr; replaces serine 459 with threonine.
Molecular consequence: missense variant. On other transcripts: non-coding transcript variant (14), intron variant (15).
Genome position (GRCh38, 1-based): chr19:17,778,632, T>A. VCF-style: chr19-17778632-T-A. GRCh37 (hg19) VCF-style: chr19-17889441-T-A.
Other names: c.1375T>A, p.Ser459Thr (NM_001161357.2, NM_001161358.2, NM_001384370.1 and 13 more transcripts); c.1225T>A, p.Ser409Thr (NM_001161359.2, NM_001384385.1, NM_001384386.1 and 1 more transcripts); c.1336T>A, p.Ser446Thr (NM_001384388.1, NM_001384389.1, NM_001384405.1); c.1300T>A, p.Ser434Thr (NM_001384390.1); c.1351+404T>A (NM_001384396.1, NM_001384404.1, NM_001384398.1 and 5 more transcripts); c.1201+404T>A (NM_001384406.1); c.1057+2361T>A (NM_001384407.1); c.1352-94T>A (NM_001384393.1, NM_001384394.1, NM_001384392.1 and 1 more transcripts); and 1 more; short protein forms S409T, S446T, S434T, S459T.
Identifiers: ClinVar variation 1975220 (VCV001975220.5), dbSNP rs1395447457, ClinGen allele CA404753158.